The following is an entry in ClinVar:

NM_001457.4(FLNB):c.6315C>T (p.Ala2105=)

Gene: FLNB (filamin B; plus strand). Cytogenetic location: 3p14.3.
Variant type: single nucleotide variant.
Coding change: c.6315C>T on transcript NM_001457.4 (MANE Select); coding-DNA position 6315, C replaced by T.
Protein change: p.Ala2105=; no amino-acid change (alanine 2105 retained).
Molecular consequence: synonymous variant.
Genome position (GRCh38, 1-based): chr3:58,150,175, C>T. VCF-style: chr3-58150175-C-T. GRCh37 (hg19) VCF-style: chr3-58135902-C-T.
Other names: c.6408C>T, p.Ala2136= (NM_001164317.2); c.6282C>T, p.Ala2094= (NM_001164318.2); c.6243C>T, p.Ala2081= (NM_001164319.2).
Identifiers: ClinVar variation 385526 (VCV000385526.40), dbSNP rs147648427, ClinGen allele CA2469314.

ClinVar aggregate classification (germline): Likely benign. Review status: criteria provided, multiple submitters, no conflicts (2 of 4 stars). 5 submissions from 5 submitters: Likely benign (5). Last evaluated 2026-02-01.

Conditions:
FLNB-Related Spectrum Disorders.

Allele frequency attached by ClinVar (database versions not stated): ESP Exome Variant Server 0.00046; ExAC 0.00055; gnomAD exomes 0.00069 and 0.00089; gnomAD 0.00076 and 0.00079; TOPMed 0.00094; 1000 Genomes Project 0.00100; 1000 Genomes Project 30x 0.00156.
gnomAD v4.1: 1,409 of 1,614,218 alleles (0.087%); highest among the groups gnomAD compares: Admixed American, 0.23%; 1 homozygote.

Submissions (5):

Labcorp Genetics (formerly Invitae), Labcorp
Classification: Likely benign. Last evaluated: 2026-02-01. Review status: criteria provided, single submitter. Criteria: Invitae Variant Classification Sherloc (09022015). Collection method: clinical testing. Allele origin: germline.

Blueprint Genetics
Classification: Likely benign. Last evaluated: 2024-10-30. Review status: criteria provided, single submitter. Criteria: ACMG Guidelines, 2015. Collection method: clinical testing. Allele origin: germline.

CeGaT Center for Human Genetics Tuebingen
Classification: Likely benign. Last evaluated: 2024-10-01. Review status: criteria provided, single submitter. Criteria: CeGaT Center For Human Genetics Tuebingen Variant Classification Criteria Version 2. Collection method: clinical testing. Allele origin: germline. Affected: yes. Observed: 3 variant alleles.
Comment: FLNB: BP4, BP7

GeneDx
Classification: Likely benign. Last evaluated: 2021-09-10. Review status: criteria provided, single submitter. Criteria: GeneDx Variant Classification Process June 2021. Collection method: clinical testing. Allele origin: germline. Affected: yes.

Illumina Laboratory Services, Illumina
Classification: Likely benign for FLNB-Related Spectrum Disorders. Last evaluated: 2018-01-13. Review status: criteria provided, single submitter. Criteria: ICSL Variant Classification Criteria 13 December 2019. Collection method: clinical testing. Allele origin: germline.
Comment: This variant was observed in the ICSL laboratory as part of a predisposition screen in an ostensibly healthy population. It had not been previously curated by ICSL or reported in the Human Gene Mutation Database (HGMD: prior to June 1st, 2018), and was therefore a candidate for classification through an automated scoring system. Utilizing variant allele frequency, disease prevalence and penetrance estimates, and inheritance mode, an automated score was calculated to assess if this variant is too frequent to cause the disease. Based on the score and internal cut-off values, a variant classified as likely benign is not then subjected to further curation. The score for this variant resulted in a classification of likely benign for this disease.